The following is an entry in ClinVar:

NM_001563.4(IMPG1):c.630C>T (p.Leu210=)

Gene: IMPG1 (interphotoreceptor matrix proteoglycan 1; minus strand). Cytogenetic location: 6q14.1.
Variant type: single nucleotide variant.
Coding change: c.630C>T on transcript NM_001563.4 (MANE Select); coding-DNA position 630, C replaced by T.
Protein change: p.Leu210=; no amino-acid change (leucine 210 retained).
Molecular consequence: synonymous variant.
Genome position (GRCh38, 1-based): chr6:76,022,152, G>A on the plus strand (C>T on the coding strand, the complement: IMPG1 is on the minus strand). VCF-style: chr6-76022152-G-A. GRCh37 (hg19) VCF-style: chr6-76731869-G-A.
Other names: c.396C>T, p.Leu132= (NM_001282368.2); c.630C>T (NM_001563.3).
Identifiers: ClinVar variation 1132797 (VCV001132797.11), dbSNP rs143754800, ClinGen allele CA3898413.

ClinVar aggregate classification (germline): Likely benign. Review status: criteria provided, multiple submitters, no conflicts (2 of 4 stars). 3 submissions from 3 submitters: Likely benign (3). Last evaluated 2025-12-26.

Conditions:
IMPG1-related disorder. Also called: IMPG1-related condition.

Allele frequency attached by ClinVar (database versions not stated): gnomAD exomes 0.00007; ExAC 0.00012; gnomAD 0.00035 and 0.00040; TOPMed 0.00043; ESP Exome Variant Server 0.00069.
gnomAD v4.1: 94 of 1,592,964 alleles (0.0059%); highest among the groups gnomAD compares: African/African-American, 0.1%; no homozygotes.

Submissions (3):

Labcorp Genetics (formerly Invitae), Labcorp
Classification: Likely benign. Last evaluated: 2025-12-26. Review status: criteria provided, single submitter. Criteria: Invitae Variant Classification Sherloc (09022015). Collection method: clinical testing. Allele origin: germline.

PreventionGenetics, part of Exact Sciences
Classification: Likely benign for IMPG1-related condition. Last evaluated: 2025-01-17. Review status: criteria provided, single submitter. Criteria: ACMG Guidelines, 2015. Collection method: clinical testing. Allele origin: germline.
Comment: This variant is classified as likely benign based on ACMG/AMP sequence variant interpretation guidelines (Richards et al. 2015 PMID: 25741868, with internal and published modifications).

Blueprint Genetics
Classification: Likely benign. Last evaluated: 2023-12-19. Review status: criteria provided, single submitter. Criteria: ACMG Guidelines, 2015. Collection method: clinical testing. Allele origin: germline.